The following is an entry in ClinVar:

ClinVar aggregate classification (germline): Uncertain significance. Review status: criteria provided, multiple submitters, no conflicts (2 of 4 stars). 2 submissions from 2 submitters: Uncertain significance (2). Last evaluated 2025-02-26.

Conditions:
Hypertrophic cardiomyopathy. Also called: HYPERTROPHIC MYOCARDIOPATHY. Identifiers: Orphanet 217569, MedGen C0007194, MeSH D002312, MONDO:0005045, HP:0001639.

Submissions (2):

Labcorp Genetics (formerly Invitae), Labcorp
Classification: Uncertain significance for Hypertrophic cardiomyopathy. Last evaluated: 2025-02-26. Review status: criteria provided, single submitter. Criteria: Invitae Variant Classification Sherloc (09022015). Collection method: clinical testing. Allele origin: germline.
Comment: This sequence change replaces proline, which is neutral and non-polar, with leucine, which is neutral and non-polar, at codon 127 of the MYH7 protein (p.Pro127Leu). This variant is not present in population databases (gnomAD no frequency). This variant has not been reported in the literature in individuals affected with MYH7-related conditions. ClinVar contains an entry for this variant (Variation ID: 2771514). Invitae Evidence Modeling of protein sequence and biophysical properties (such as structural, functional, and spatial information, amino acid conservation, physicochemical variation, residue mobility, and thermodynamic stability) indicates that this missense variant is expected to disrupt MYH7 protein function with a positive predictive value of 95%. In summary, the available evidence is currently insufficient to determine the role of this variant in disease. Therefore, it has been classified as a Variant of Uncertain Significance.

Blueprint Genetics
Classification: Uncertain significance. Last evaluated: 2019-08-20. Review status: criteria provided, single submitter. Criteria: ACMG Guidelines, 2015. Collection method: clinical testing. Allele origin: germline.

NM_000257.4(MYH7):c.380C>T (p.Pro127Leu)

Gene: MYH7 (myosin heavy chain 7; minus strand). Cytogenetic location: 14q11.2.
Variant type: single nucleotide variant.
Coding change: c.380C>T on transcript NM_000257.4 (MANE Select); coding-DNA position 380, C replaced by T.
Protein change: p.Pro127Leu; replaces proline 127 with leucine.
Molecular consequence: missense variant.
Genome position (GRCh38, 1-based): chr14:23,432,761, G>A on the plus strand (C>T on the coding strand, the complement: MYH7 is on the minus strand). VCF-style: chr14-23432761-G-A. GRCh37 (hg19) VCF-style: chr14-23901970-G-A.
Other names: c.380C>T, p.Pro127Leu (NM_001407004.1); short protein forms P127L.
Identifiers: ClinVar variation 2771514 (VCV002771514.4), dbSNP rs2502318238, ClinGen allele CA389052940.